The following is an entry in ClinVar:

NM_000091.5(COL4A3):c.3577G>A (p.Asp1193Asn)

Genes: COL4A3 (collagen type IV alpha 3 chain; plus strand), MFF-DT (MFF divergent transcript; minus strand). Cytogenetic location: 2q36.3.
Variant type: single nucleotide variant.
Coding change: c.3577G>A on transcript NM_000091.5 (MANE Select); coding-DNA position 3577, G replaced by A.
Protein change: p.Asp1193Asn; replaces aspartic acid 1193 with asparagine.
Molecular consequence: missense variant.
Genome position (GRCh38, 1-based): chr2:227,297,685, G>A. VCF-style: chr2-227297685-G-A. GRCh37 (hg19) VCF-style: chr2-228162401-G-A.
Other names: short protein forms D1193N.
Identifiers: ClinVar variation 517651 (VCV000517651.8), dbSNP rs972796332, ClinGen allele CA66610369.
Genomic context (GRCh38, chr2:227,297,685, plus strand): 5'-CCCAAGCATATGGGCATTAAAGAAACTTATTAAGCCTTCTTCTTTGCAGGAGCCAAAGGA[G>A]ACAGGGGAGCCCCAGGTTTTCCTGGCCTCCCGGGCAGAAAAGGGGCCATGGGAGATGCTG-3'
Protein context (NP_000082.2, residues 1183-1203): GNPGAQGAKG[Asp1193Asn]RGAPGFPGLP

ClinVar aggregate classification (germline): Conflicting classifications of pathogenicity. Review status: criteria provided, conflicting classifications (1 of 4 stars). 3 submissions from 3 submitters: Uncertain significance (2); Likely benign (1). Last evaluated 2025-01-29.

Allele frequency attached by ClinVar (database versions not stated): gnomAD exomes 0.00001; TOPMed 0.00003; gnomAD 0.00004 and 0.00005.
gnomAD v4.1: 27 of 1,608,128 alleles (0.0017%); highest among the groups gnomAD compares: Non-Finnish European, 0.002%; no homozygotes.

Submissions (3):

Labcorp Genetics (formerly Invitae), Labcorp
Classification: Uncertain significance. Last evaluated: 2025-01-29. Review status: criteria provided, single submitter. Criteria: Invitae Variant Classification Sherloc (09022015). Collection method: clinical testing. Allele origin: germline.
Comment: This sequence change replaces aspartic acid, which is acidic and polar, with asparagine, which is neutral and polar, at codon 1193 of the COL4A3 protein (p.Asp1193Asn). This variant is present in population databases (no rsID available, gnomAD 0.004%). This variant has not been reported in the literature in individuals affected with COL4A3-related conditions. ClinVar contains an entry for this variant (Variation ID: 517651). An algorithm developed to predict the effect of missense changes on protein structure and function outputs the following: PolyPhen-2: "Not Available". The asparagine amino acid residue is found in multiple mammalian species, which suggests that this missense change does not adversely affect protein function. In summary, the available evidence is currently insufficient to determine the role of this variant in disease. Therefore, it has been classified as a Variant of Uncertain Significance.

GeneDx
Classification: Uncertain significance. Last evaluated: 2024-09-05. Review status: criteria provided, single submitter. Criteria: GeneDx Variant Classification Process June 2021. Collection method: clinical testing. Allele origin: germline. Affected: yes.
Comment: In silico analysis indicates that this missense variant does not alter protein structure/function; Occurs in the triple helical domain at the X position in the canonical Gly-X-Y repeat; although this variant may have an effect on normal protein folding and function, missense substitution at the X position is not a common mechanism of disease; Has not been previously published as pathogenic or benign to our knowledge

Laboratory for Molecular Medicine, Mass General Brigham Personalized Medicine
Classification: Likely benign. Last evaluated: 2017-12-21. Review status: criteria provided, single submitter. Criteria: LMM Criteria. Collection method: clinical testing. Allele origin: germline. Observed: 1 variant allele.
Comment: p.Asp1193Asn in exon 42 of COL4A3: This variant is not expected to have clinical significance because the aspartic acid (Asp) at position 1193 is not conserved in mammals or evolutionarily distant species and 4 mammals (shrew, wallaby, opos sum, and Tasmanian devil) carry an asparagine (Asn) at this position despite nea rby amino acid sequence conservation. Additional computational prediction tools and conservation analysis suggest that the variant may not impact the protein. This variant been identified in 5/120268 of European chromosomes by the Genome Aggregation Database (gnomAD; ). ACMG/AMP Crit eria Applied BP4_strong.